The following is an entry in ClinVar:

ClinVar aggregate classification (germline): Uncertain significance (1 of 4 stars; one submission).

Conditions:
Inborn genetic diseases. Identifiers: MedGen C0950123, MeSH D030342.

Allele frequency attached by ClinVar (database versions not stated): ExAC 0.00002; TOPMed 0.00002; gnomAD 0.00003; gnomAD exomes 0.00004.
gnomAD v4.1: 69 of 1,611,204 alleles (0.0043%); highest among the groups gnomAD compares: Non-Finnish European, 0.0052%; no homozygotes.

Submission:

Ambry Genetics
Classification: Uncertain significance for Inborn genetic diseases. Last evaluated: 2022-12-21. Review status: criteria provided, single submitter. Criteria: Ambry Variant Classification Scheme 2023. Collection method: clinical testing. Allele origin: germline.
Comment: The c.1467+6G>A intronic alteration consists of a G to A substitution 6 nucleotides after exon 15 of the LSS gene. Based on insufficient or conflicting evidence, the clinical significance of this alteration remains unclear.

NM_002340.6(LSS):c.1467+6G>A

Gene: LSS (lanosterol synthase; minus strand). Cytogenetic location: 21q22.3.
Variant type: single nucleotide variant.
Coding change: c.1467+6G>A on transcript NM_002340.6 (MANE Select); 6 bases into the intron after coding-DNA position 1467, G replaced by A.
Molecular consequence: intron variant.
Genome position (GRCh38, 1-based): chr21:46,207,422, C>T on the plus strand (G>A on the coding strand, the complement: LSS is on the minus strand). VCF-style: chr21-46207422-C-T. GRCh37 (hg19) VCF-style: chr21-47627336-C-T.
Other names: c.1434+6G>A (NM_001145436.2); c.1467+6G>A (NM_001001438.3); c.1227+6G>A (NM_001145437.2).
Identifiers: ClinVar variation 2333081 (VCV002333081.2), dbSNP rs769907349, ClinGen allele CA10074995.